The following is an entry in ClinVar:

ClinVar aggregate classification (germline): Uncertain significance (1 of 4 stars; one submission).

Conditions:
Cardiovascular phenotype. Identifiers: MedGen CN230736.

Allele frequency attached by ClinVar (database versions not stated): TOPMed 0.00005; gnomAD 0.00006.
gnomAD v4.1: 9 of 1,613,726 alleles (0.00056%); highest among the groups gnomAD compares: African/African-American, 0.012%; no homozygotes.

Submission:

Ambry Genetics
Classification: Uncertain significance for Cardiovascular phenotype. Last evaluated: 2017-09-15. Review status: criteria provided, single submitter. Criteria: Ambry Variant Classification Scheme 2023. Collection method: clinical testing. Allele origin: germline.
Comment: The p.F3768I variant (also known as c.11302T>A), located in coding exon 44 of the TTN gene, results from a T to A substitution at nucleotide position 11302. The phenylalanine at codon 3768 is replaced by isoleucine, an amino acid with highly similar properties. This amino acid position is poorly conserved in available vertebrate species. In addition, this alteration is predicted to be tolerated by in silico analysis. Since supporting evidence is limited at this time, the clinical significance of this alteration remains unclear.

NM_001267550.2(TTN):c.12391T>A (p.Phe4131Ile)

Gene: TTN (titin; minus strand). Cytogenetic location: 2q31.2.
Variant type: single nucleotide variant.
Coding change: c.12391T>A on transcript NM_001267550.2 (MANE Select); coding-DNA position 12391, T replaced by A.
Protein change: p.Phe4131Ile; replaces phenylalanine 4131 with isoleucine.
Molecular consequence: missense variant. On other transcripts: intron variant (1).
Genome position (GRCh38, 1-based): chr2:178,740,842, A>T on the plus strand (T>A on the coding strand, the complement: TTN is on the minus strand). VCF-style: chr2-178740842-A-T. GRCh37 (hg19) VCF-style: chr2-179605569-A-T.
Other names: c.11440T>A, p.Phe3814Ile (NM_001256850.1); c.11302T>A, p.Phe3768Ile (NM_003319.4); c.11677T>A, p.Phe3893Ile (NM_133432.3); c.11878T>A, p.Phe3960Ile (NM_133437.4); c.10361-2482T>A (NM_133378.4); short protein forms F3768I, F4131I, F3893I, F3814I, F3960I.
Identifiers: ClinVar variation 519011 (VCV000519011.5), dbSNP rs750186297, ClinGen allele CA2002720.